The following is an entry in ClinVar:

NM_014991.6(WDFY3):c.6339A>G (p.Gln2113=)

Gene: WDFY3 (WD repeat and FYVE domain containing 3; minus strand). Cytogenetic location: 4q21.23.
Variant type: single nucleotide variant.
Coding change: c.6339A>G on transcript NM_014991.6 (MANE Select); coding-DNA position 6339, A replaced by G.
Protein change: p.Gln2113=; no amino-acid change (glutamine 2113 retained).
Molecular consequence: synonymous variant.
Genome position (GRCh38, 1-based): chr4:84,740,312, T>C on the plus strand (A>G on the coding strand, the complement: WDFY3 is on the minus strand). VCF-style: chr4-84740312-T-C. GRCh37 (hg19) VCF-style: chr4-85661465-T-C.
Identifiers: ClinVar variation 3359412 (VCV003359412.1).

ClinVar aggregate classification (germline): Uncertain significance (1 of 4 stars; one submission).

Submission:

GeneDx
Classification: Uncertain significance. Last evaluated: 2023-06-02. Review status: criteria provided, single submitter. Criteria: GeneDx Variant Classification Process June 2021. Collection method: clinical testing. Allele origin: germline. Affected: yes.
Comment: Not observed at significant frequency in large population cohorts (gnomAD); In silico analysis supports a deleterious effect on splicing; Has not been previously published as pathogenic or benign to our knowledge